The following is an entry in ClinVar:

NM_003200.5(TCF3):c.1338_1360del (p.Ser446fs)

Gene: TCF3 (transcription factor 3; minus strand). Cytogenetic location: 19p13.3.
Variant type: Deletion.
Coding change: c.1338_1360del on transcript NM_003200.5 (MANE Select); coding-DNA positions 1338 to 1360, 23 bases deleted (CCACCCCGAGGACGGCCTCGCAG).
Protein change: p.Ser446fs; shifts the reading frame from serine 446.
Molecular consequence: frameshift variant.
Genome position (GRCh38, 1-based): chr19:1,619,201-1,619,223, CTGCGAGGCCGTCCTCGGGGTGG deleted on the plus strand (CCACCCCGAGGACGGCCTCGCAG on the coding strand, the reverse complement: TCF3 is on the minus strand); deleting any 23 consecutive bases within chr19:1,619,201-1,619,227 gives the same sequence; the c. name uses the placement nearest the transcript's 3' end. VCF-style (leftmost placement, unchanged base first): chr19-1619200-CCTGCGAGGCCGTCCTCGGGGTGG-C. GRCh37 (hg19) VCF-style: chr19-1619199-CCTGCGAGGCCGTCCTCGGGGTGG-C.
Other names: c.1338_1360del, p.Ser446fs (NM_001136139.4, NM_001351779.2); c.1335_1357del, p.Ser445fs (NM_001351778.2); short protein forms S445fs, S446fs.
Identifiers: ClinVar variation 982676 (VCV000982676.2), dbSNP rs2061880735, ClinGen allele CA1139666170.

ClinVar aggregate classification (germline): Pathogenic (1 of 4 stars; one submission).

Conditions:
Agammaglobulinemia 8, autosomal dominant (AGM8A). Also called: AGAMMAGLOBULINEMIA, AUTOSOMAL DOMINANT, DUE TO TCF3 DEFECT; AGAMMAGLOBULINEMIA 8A, AUTOSOMAL DOMINANT. Identifiers: MedGen C4310786, MONDO:0014840, OMIM 616941.

Submission:

Institute of Human Genetics, University of Leipzig Medical Center
Classification: Pathogenic for Agammaglobulinemia 8, autosomal dominant. Last evaluated: 2025-03-17. Review status: criteria provided, single submitter. Criteria: ACMG Guidelines, 2015. Collection method: clinical testing. Allele origin: unknown. Inheritance: Autosomal dominant inheritance. Affected: yes.
Comment: Criteria applied: PVS1,PM2